The following is an entry in ClinVar:

NM_000018.4(ACADVL):c.1490del (p.Asn497fs)

Gene: ACADVL (acyl-CoA dehydrogenase very long chain; plus strand). Cytogenetic location: 17p13.1.
Variant type: Deletion.
Coding change: c.1490del on transcript NM_000018.4 (MANE Select); coding-DNA position 1490, one base deleted (A; older notation c.1490delA).
Protein change: p.Asn497fs; shifts the reading frame from asparagine 497.
Molecular consequence: frameshift variant.
Genome position (GRCh38, 1-based): chr17:7,224,201, A deleted; the last of 2 consecutive A bases (chr17:7,224,200-7,224,201); deleting either gives the same sequence. VCF-style (leftmost placement, unchanged base first): chr17-7224199-GA-G. GRCh37 (hg19) VCF-style: chr17-7127518-GA-G.
Other names: c.1424del, p.Asn475fs (NM_001033859.3); c.1559del, p.Asn520fs (NM_001270447.2); c.1262del, p.Asn421fs (NM_001270448.2); short protein forms N421fs, N475fs, N520fs, N497fs.
Identifiers: ClinVar variation 1966104 (VCV001966104.5), dbSNP rs2508354202, ClinGen allele CA2580094816.
Genomic context (GRCh38, chr17:7,224,199, plus strand): 5'-CCCATAGGACAAAGGAAAGGAGCTCTCTGGGCTTGGCAGTGCTCTAAAGAATCCCTTTGG[GA>G]ATGCTGGCCTCCTGCTAGGAGAGGCAGGCAAACAGCTGAGGCGGTAGGCTTAGGGCCAGA-3'

ClinVar aggregate classification (germline): Pathogenic (1 of 4 stars; one submission).

Conditions:
Very long chain acyl-CoA dehydrogenase deficiency (ACADVLD). Also called: VLCAD Deficiency; Very Long-Chain Acyl-Coenzyme A Dehydrogenase Deficiency. Identifiers: Orphanet 26793, MedGen C3887523, MONDO:0008723, OMIM 201475.

Submission:

Labcorp Genetics (formerly Invitae), Labcorp
Classification: Pathogenic for Very long chain acyl-CoA dehydrogenase deficiency. Last evaluated: 2022-05-31. Review status: criteria provided, single submitter. Criteria: Invitae Variant Classification Sherloc (09022015). Collection method: clinical testing. Allele origin: germline.
Comment: This sequence change creates a premature translational stop signal (p.Asn497Metfs*6) in the ACADVL gene. It is expected to result in an absent or disrupted protein product. Loss-of-function variants in ACADVL are known to be pathogenic (PMID: 9973285, 11590124). This variant is not present in population databases (gnomAD no frequency). This variant has not been reported in the literature in individuals affected with ACADVL-related conditions. For these reasons, this variant has been classified as Pathogenic.

Literature cited by the submitters: PubMed 9973285; PubMed 11590124.